The following is an entry in ClinVar:

ClinVar aggregate classification (germline): Pathogenic (1 of 4 stars; one submission).

Conditions:
Propionic acidemia (PROP). Also called: GLYCINEMIA, KETOTIC; HYPERGLYCINEMIA WITH KETOACIDOSIS AND LEUKOPENIA; KETOTIC HYPERGLYCINEMIA. Identifiers: Orphanet 35, MedGen C0268579, MONDO:0011628, OMIM 606054, HP:0003571.

Submission:

Labcorp Genetics (formerly Invitae), Labcorp
Classification: Pathogenic for Propionic acidemia. Last evaluated: 2020-04-21. Review status: criteria provided, single submitter. Criteria: Invitae Variant Classification Sherloc (09022015). Collection method: clinical testing. Allele origin: germline.
Comment: For these reasons, this variant has been classified as Pathogenic. Loss-of-function variants in PCCA are known to be pathogenic (PMID: 15464417). This variant has not been reported in the literature in individuals with PCCA-related conditions. This variant is not present in population databases (ExAC no frequency). This sequence change creates a premature translational stop signal (p.Ser291*) in the PCCA gene. It is expected to result in an absent or disrupted protein product.

Literature cited by the submitters: PubMed 15464417.

NM_000282.4(PCCA):c.872C>G (p.Ser291Ter)

Gene: PCCA (propionyl-CoA carboxylase subunit alpha; plus strand). Cytogenetic location: 13q32.3.
Variant type: single nucleotide variant.
Coding change: c.872C>G on transcript NM_000282.4 (MANE Select); coding-DNA position 872, C replaced by G.
Protein change: p.Ser291Ter; replaces serine 291 with a stop codon.
Molecular consequence: nonsense. On other transcripts: 5 prime UTR variant (3), non-coding transcript variant (5).
Genome position (GRCh38, 1-based): chr13:100,268,741, C>G. VCF-style: chr13-100268741-C-G. GRCh37 (hg19) VCF-style: chr13-100920995-C-G.
Other names: c.794C>G, p.Ser265Ter (NM_001127692.3, NM_001352607.2, NM_001352608.2); c.872C>G, p.Ser291Ter (NM_001178004.2, NM_001352605.2, NM_001352606.2 and 1 more transcripts); c.-74C>G (NM_001352612.2, NM_001352610.2, NM_001352611.2); short protein forms S265*, S291*.
Identifiers: ClinVar variation 1072653 (VCV001072653.7), dbSNP rs1595033018, ClinGen allele CA388694563.